The following is an entry in ClinVar:

NM_020774.4(MIB1):c.2589T>G (p.Ile863Met)

Gene: MIB1 (MIB E3 ubiquitin protein ligase 1; plus strand). Cytogenetic location: 18q11.2.
Variant type: single nucleotide variant.
Coding change: c.2589T>G on transcript NM_020774.4 (MANE Select); coding-DNA position 2589, T replaced by G.
Protein change: p.Ile863Met; replaces isoleucine 863 with methionine.
Molecular consequence: missense variant.
Genome position (GRCh38, 1-based): chr18:21,853,142, T>G. VCF-style: chr18-21853142-T-G. GRCh37 (hg19) VCF-style: chr18-19433103-T-G.
Other names: short protein forms I863M.
Identifiers: ClinVar variation 3042924 (VCV003042924.2), dbSNP rs2510599657, ClinGen allele CA401796771.

ClinVar aggregate classification (germline): Uncertain significance (0 of 4 stars; one submission).

Conditions:
MIB1-related disorder. Also called: MIB1-related condition.

gnomAD v4.1: 1 of 1,610,428 alleles (0.000062%); highest among the groups gnomAD compares: Non-Finnish European, 0.000085%; no homozygotes.

Submission:

PreventionGenetics, part of Exact Sciences
Classification: Uncertain significance for MIB1-related condition. Last evaluated: 2024-01-26. Review status: no assertion criteria provided. Collection method: clinical testing. Allele origin: germline.
Comment: The MIB1 c.2589T>G variant is predicted to result in the amino acid substitution p.Ile863Met. To our knowledge, this variant has not been reported in the literature or in a large population database, indicating this variant is rare. At this time, the clinical significance of this variant is uncertain due to the absence of conclusive functional and genetic evidence.